The following is an entry in ClinVar:

ClinVar aggregate classification (germline): Conflicting classifications of pathogenicity. Review status: criteria provided, conflicting classifications (1 of 4 stars). 11 submissions from 11 submitters: Uncertain significance (1); Benign (1); Likely benign (8). 1 of the submissions does not count toward it. Last evaluated 2026-01-31.

Conditions:
Hereditary nonpolyposis colorectal neoplasms. Identifiers: MedGen C0009405, MeSH D003123.
Hereditary cancer-predisposing syndrome. Also called: Tumor predisposition; Hereditary Cancer Syndrome; Hereditary neoplastic syndrome; Neoplastic Syndromes, Hereditary. Identifiers: Orphanet 140162, MedGen C0027672, MeSH D009386, MONDO:0015356.
Lynch syndrome. Identifiers: Orphanet 144, MedGen C4552100, MONDO:0005835. Disease mechanism: loss of function.
Lynch syndrome 5 (LYNCH5). Also called: Colorectal cancer, hereditary nonpolyposis, type 5; Hereditary non-polyposis colorectal cancer, type 5. Identifiers: Orphanet 144, MedGen C1833477, MONDO:0013710, OMIM 614350. Disease mechanism: loss of function.

Allele frequency attached by ClinVar (database versions not stated): gnomAD 0.00003 and 0.00004; TOPMed 0.00003; gnomAD exomes 0.00001 and 0.00002; ExAC 0.00002.
gnomAD v4.1: 36 of 1,613,826 alleles (0.0022%); highest among the groups gnomAD compares: African/African-American, 0.0067%; 1 homozygote.

Submissions (11):

Labcorp Genetics (formerly Invitae), Labcorp
Classification: Likely benign for Hereditary nonpolyposis colorectal neoplasms. Last evaluated: 2026-01-31. Review status: criteria provided, single submitter. Criteria: Invitae Variant Classification Sherloc (09022015). Collection method: clinical testing. Allele origin: germline.

Center for Genomic Medicine, Rigshospitalet, Copenhagen University Hospital
Classification: Likely benign. Last evaluated: 2025-03-04. Review status: criteria provided, single submitter. Criteria: ACMG Guidelines, 2015. Collection method: clinical testing. Allele origin: germline.

Myriad Genetics, Inc.
Classification: Benign for Lynch syndrome 5. Last evaluated: 2024-12-31. Review status: criteria provided, single submitter. Criteria: Myriad Autosomal Dominant, Autosomal Recessive and X-Linked Classification Criteria (2023). Collection method: clinical testing. Allele origin: unknown.
Comment: This variant is considered benign. This variant is a silent/synonymous amino acid change and it is not expected to impact splicing.

All of Us Research Program, National Institutes of Health
Classification: Likely benign for Lynch syndrome. Last evaluated: 2024-02-05. Review status: criteria provided, single submitter. Criteria: ACMG Guidelines, 2015. Collection method: clinical testing. Allele origin: germline. Inheritance: Autosomal dominant inheritance. Observed: 5 variant alleles, 5 heterozygotes.
Comment: This study involves interpretation of variants in research participants for the purpose of population health screening. Participant phenotype was not available at the time of variant classification. Additional details can be found in publication PMID: 35346344, PMCID: PMC8962531

Sema4
Classification: Likely benign for Hereditary cancer-predisposing syndrome. Last evaluated: 2021-05-29. Review status: criteria provided, single submitter. Criteria: Sema4 Curation Guidelines. Collection method: curation. Allele origin: germline.

GeneDx
Classification: Likely benign. Last evaluated: 2020-05-27. Review status: criteria provided, single submitter. Criteria: GeneDx Variant Classification Process June 2021. Collection method: clinical testing. Allele origin: germline. Affected: yes.
Comment: Not observed at a significant frequency in large population cohorts (Lek et al., 2016)

Women's Health and Genetics/Laboratory Corporation of America, LabCorp
Classification: Likely benign. Last evaluated: 2019-09-03. Review status: criteria provided, single submitter. Criteria: LabCorp Variant Classification Summary - May 2015. Collection method: clinical testing. Allele origin: germline.

Color Diagnostics, LLC DBA Color Health
Classification: Likely benign for Hereditary cancer-predisposing syndrome. Last evaluated: 2017-10-27. Review status: criteria provided, single submitter. Criteria: ACMG Guidelines, 2015. Collection method: clinical testing. Allele origin: germline.

Ambry Genetics
Classification: Likely benign for Hereditary cancer-predisposing syndrome. Last evaluated: 2014-10-22. Review status: criteria provided, single submitter. Criteria: Ambry Variant Classification Scheme 2023. Collection method: clinical testing. Allele origin: germline.

Eurofins Ntd Llc (ga)
Classification: Uncertain significance. Last evaluated: 2014-10-07. Review status: criteria provided, single submitter. Criteria: EGL Classification Definitions 2015. Collection method: clinical testing. Allele origin: germline. Observed: 1 variant allele, 1 heterozygote.

Department of Pathology and Laboratory Medicine, Sinai Health System
Classification: Likely benign. Review status: no assertion criteria provided. Collection method: clinical testing. Allele origin: unknown. Affected: yes. Study: The Canadian Open Genetics Repository (COGR). Not counted in ClinVar's aggregate classification.
Comment: The MSH6 p.Ser806= variant was not identified in the literature nor was it identified in the COGR, UMD-LSDB, Zhejiang University Database, Mismatch Repair Genes Variant Database, and or Insight Hereditary Tumors database. The variant was identified in dbSNP (ID: rs770992427) as "With other allele"), ClinVar (classified as likely benign by Ambry Genetics, Invitae, and GeneDx and as uncertain significance by two clinical laboratories: EGL Genetic Diagnostics and Integrated Genetics/Laboratory Corporation of America), and in Cosmic (1x in Haematopoietic and lymphoid tissue). The variant was identified in control databases in 5 of 276156 chromosomes at a frequency of 0.00002 (Genome Aggregation Database Feb 27, 2017). The variant was observed in the following populations: European in 4 of 125786 chromosomes (freq: 0.00003), and East Asian in 1 of 18860 chromosomes (freq: 0.00005); it was not observed in the African, Other, Latino, Ashkenazi Jewish, Finnish, and or South Asian populations. The p.Ser806= variant is not expected to have clinical significance because it does not result in a change of amino acid and is not located in a known consensus splice site. In addition, the c.2418C nucleotide is weakly conserved and 5 of 5 in silico or computational prediction software programs (SpliceSiteFinder, MaxEntScan, NNSPLICE, GeneSplicer, HumanSpliceFinder) do not predict a difference in splicing. In summary, based on the above information the clinical significance of this variant cannot be determined with certainty at this time although we would lean towards a more benign role for this variant. This variant is classified as likely benign.

NM_000179.3(MSH6):c.2418C>T (p.Ser806=)

Gene: MSH6 (mutS homolog 6; plus strand). Cytogenetic location: 2p16.3.
Variant type: single nucleotide variant.
Coding change: c.2418C>T on transcript NM_000179.3 (MANE Select); coding-DNA position 2418, C replaced by T.
Protein change: p.Ser806=; no amino-acid change (serine 806 retained).
Molecular consequence: synonymous variant.
Genome position (GRCh38, 1-based): chr2:47,800,401, C>T. VCF-style: chr2-47800401-C-T. GRCh37 (hg19) VCF-style: chr2-48027540-C-T.
Other names: c.2028C>T, p.Ser676= (NM_001281492.2); c.1512C>T, p.Ser504= (NM_001281493.2, NM_001281494.2).
Identifiers: ClinVar variation 183917 (VCV000183917.30), dbSNP rs770992427, ClinGen allele CA010219.